The following is an entry in ClinVar:

ClinVar aggregate classification (germline): Uncertain significance (1 of 4 stars; one submission).

Conditions:
Fanconi anemia (FA). Also called: Fanconi's anemia. Identifiers: Orphanet 84, MedGen C0015625, MeSH D005199, MONDO:0019391.

Submission:

Labcorp Genetics (formerly Invitae), Labcorp
Classification: Uncertain significance for Fanconi anemia. Last evaluated: 2023-08-30. Review status: criteria provided, single submitter. Criteria: Invitae Variant Classification Sherloc (09022015). Collection method: clinical testing. Allele origin: germline.
Comment: This sequence change replaces glutamic acid, which is acidic and polar, with glutamine, which is neutral and polar, at codon 1224 of the SLX4 protein (p.Glu1224Gln). This variant is not present in population databases (gnomAD no frequency). This variant has not been reported in the literature in individuals affected with SLX4-related conditions. ClinVar contains an entry for this variant (Variation ID: 1404998). Algorithms developed to predict the effect of missense changes on protein structure and function output the following: SIFT: "Not Available"; PolyPhen-2: "Benign"; Align-GVGD: "Not Available". The glutamine amino acid residue is found in multiple mammalian species, which suggests that this missense change does not adversely affect protein function. In summary, the available evidence is currently insufficient to determine the role of this variant in disease. Therefore, it has been classified as a Variant of Uncertain Significance.

NM_032444.4(SLX4):c.3670G>C (p.Glu1224Gln)

Gene: SLX4 (SLX4 structure-specific endonuclease subunit; minus strand). Cytogenetic location: 16p13.3.
Variant type: single nucleotide variant.
Coding change: c.3670G>C on transcript NM_032444.4 (MANE Select); coding-DNA position 3670, G replaced by C.
Protein change: p.Glu1224Gln; replaces glutamic acid 1224 with glutamine.
Molecular consequence: missense variant.
Genome position (GRCh38, 1-based): chr16:3,589,968, C>G on the plus strand (G>C on the coding strand, the complement: SLX4 is on the minus strand). VCF-style: chr16-3589968-C-G. GRCh37 (hg19) VCF-style: chr16-3639969-C-G.
Other names: short protein forms E1224Q.
Identifiers: ClinVar variation 1404998 (VCV001404998.8), dbSNP rs2151123121, ClinGen allele CA394519640.
Genomic context (GRCh38, chr16:3,589,968, plus strand): 5'-TGCTCTCACGGTCACAGAACAGCCAGGGAGCCCCTCTCCTGCCCAAAGAGCCCCGATTCT[C>G]CGGCAGCGCCCCCTCATCCTCCTGCTGCAGCACAGCTTCGCTTCTTGGTGGGCTCTGGGA-3'
Protein context (NP_115820.2, residues 1214-1234): LQQEDEGALP[Glu1224Gln]NRGSLGRRGA